The following is an entry in ClinVar:

NM_016441.3(CRIM1):c.749-9C>T

Gene: CRIM1 (cysteine rich transmembrane BMP regulator 1). Cytogenetic location: 2p22.2.
Variant type: single nucleotide variant.
Coding change: c.749-9C>T on transcript NM_016441.3 (MANE Select); 9 bases into the intron before coding-DNA position 749, C replaced by T.
Molecular consequence: intron variant.
Genome position (GRCh38, 1-based): chr2:36,442,606, C>T. VCF-style: chr2-36442606-C-T. GRCh37 (hg19) VCF-style: chr2-36669749-C-T.
Identifiers: ClinVar variation 3345833 (VCV003345833.2).

ClinVar aggregate classification (germline): Likely benign. Review status: criteria provided, single submitter (1 of 4 stars). 2 submissions from 2 submitters: Likely benign (1). 1 of the submissions does not count toward it. Last evaluated 2023-03-02.

Conditions:
CRIM1-related disorder. Also called: CRIM1-related condition.

gnomAD v4.1: 8 of 1,613,992 alleles (0.0005%); highest among the groups gnomAD compares: Middle Eastern, 0.016%; no homozygotes.

Submissions (2):

Blueprint Genetics
Classification: Likely benign. Last evaluated: 2023-03-02. Review status: criteria provided, single submitter. Criteria: ACMG Guidelines, 2015. Collection method: clinical testing. Allele origin: germline.

PreventionGenetics, part of Exact Sciences
Classification: Likely benign for CRIM1-related condition. Last evaluated: 2020-02-26. Review status: no assertion criteria provided. Collection method: clinical testing. Allele origin: germline. Not counted in ClinVar's aggregate classification.
Comment: This variant is classified as likely benign based on ACMG/AMP sequence variant interpretation guidelines (Richards et al. 2015 PMID: 25741868, with internal and published modifications).